The following is an entry in ClinVar:

ClinVar aggregate classification (germline): Benign/Likely benign. Review status: criteria provided, multiple submitters, no conflicts (2 of 4 stars). 9 submissions from 9 submitters: Benign (5); Likely benign (1). 3 of the submissions do not count toward it. Last evaluated 2026-01-26.

Conditions:
A2ML1-related disorder. Also called: A2ML1-related condition.

Allele frequency attached by ClinVar (database versions not stated): gnomAD exomes 0.00053 and 0.00128; ExAC 0.00147; 1000 Genomes Project 0.00399; ESP Exome Variant Server 0.00498; 1000 Genomes Project 30x 0.00515; gnomAD 0.00516 and 0.00552; TOPMed 0.00553.
gnomAD v4.1: 1,572 of 1,614,238 alleles (0.097%); highest among the groups gnomAD compares: African/African-American, 1.9%; 10 homozygotes.

Submissions (9):

Labcorp Genetics (formerly Invitae), Labcorp
Classification: Benign. Last evaluated: 2026-01-26. Review status: criteria provided, single submitter. Criteria: Invitae Variant Classification Sherloc (09022015). Collection method: clinical testing. Allele origin: germline.

Ambry Genetics
Classification: Likely benign. Last evaluated: 2022-09-02. Review status: criteria provided, single submitter. Criteria: Ambry Variant Classification Scheme 2023. Collection method: clinical testing. Allele origin: germline.

Women's Health and Genetics/Laboratory Corporation of America, LabCorp
Classification: Benign. Last evaluated: 2019-09-16. Review status: criteria provided, single submitter. Criteria: LabCorp Variant Classification Summary - May 2015. Collection method: clinical testing. Allele origin: germline.
Comment: Variant summary: A2ML1 c.3880G>A (p.Val1294Ile) results in a conservative amino acid change in the encoded protein sequence. Five of five in-silico tools predict a benign effect of the variant on protein function. The variant allele was found at a frequency of 0.0013 in 249414 control chromosomes in the gnomAD database (exomes dataset), including 3 homozygotes. The observed variant frequency is approximately 300-fold of the estimated maximal expected allele frequency for a pathogenic variant in A2ML1 causing Noonan Syndrome phenotype (4e-06), strongly suggesting that the variant is benign. To our knowledge, no occurrence of c.3880G>A in individuals affected with Noonan Syndrome and no experimental evidence demonstrating its impact on protein function have been reported. Three clinical diagnostic laboratories have submitted clinical-significance assessments for this variant to ClinVar after 2014 without evidence for independent evaluation. All laboratories classified the variant as benign. Based on the evidence outlined above, the variant was classified as benign.

Center for Pediatric Genomic Medicine, Children's Mercy Hospital and Clinics
Classification: Benign. Last evaluated: 2017-01-09. Review status: criteria provided, single submitter. Criteria: ACMG Guidelines, 2015. Collection method: clinical testing. Allele origin: germline.

GeneDx
Classification: Benign. Last evaluated: 2016-11-25. Review status: criteria provided, single submitter. Criteria: GeneDx Variant Classification (06012015). Collection method: clinical testing. Allele origin: germline. Affected: yes.
Comment: This variant is considered likely benign or benign based on one or more of the following criteria: it is a conservative change, it occurs at a poorly conserved position in the protein, it is predicted to be benign by multiple in silico algorithms, and/or has population frequency not consistent with disease.

Breakthrough Genomics
Classification: Benign. Review status: criteria provided, single submitter. Criteria: ACMG Guidelines, 2015. Collection method: not provided. Allele origin: germline. Inheritance: Autosomal dominant inheritance. Affected: yes.

PreventionGenetics, part of Exact Sciences
Classification: Benign for A2ML1-related condition. Last evaluated: 2019-05-20. Review status: no assertion criteria provided. Collection method: clinical testing. Allele origin: germline. Not counted in ClinVar's aggregate classification.
Comment: This variant is classified as benign based on ACMG/AMP sequence variant interpretation guidelines (Richards et al. 2015 PMID: 25741868, with internal and published modifications).

Clinical Genetics DNA and cytogenetics Diagnostics Lab, Erasmus MC, Erasmus Medical Center
Classification: Benign. Review status: no assertion criteria provided. Collection method: clinical testing. Allele origin: germline. Affected: yes. Study: VKGL Data-share Consensus. Not counted in ClinVar's aggregate classification.

Clinical Genetics, Academic Medical Center
Classification: Benign. Review status: no assertion criteria provided. Collection method: clinical testing. Allele origin: germline. Affected: yes. Study: VKGL Data-share Consensus. Not counted in ClinVar's aggregate classification.

NM_144670.6(A2ML1):c.3880G>A (p.Val1294Ile)

Gene: A2ML1 (alpha-2-macroglobulin like 1; plus strand). Cytogenetic location: 12p13.31.
Variant type: single nucleotide variant.
Coding change: c.3880G>A on transcript NM_144670.6 (MANE Select); coding-DNA position 3880, G replaced by A.
Protein change: p.Val1294Ile; replaces valine 1294 with isoleucine.
Molecular consequence: missense variant.
Genome position (GRCh38, 1-based): chr12:8,868,004, G>A. VCF-style: chr12-8868004-G-A. GRCh37 (hg19) VCF-style: chr12-9020600-G-A.
Other names: c.2407G>A, p.Val803Ile (NM_001282424.3); short protein forms V1294I, V803I.
Identifiers: ClinVar variation 241908 (VCV000241908.22), dbSNP rs61746590, ClinGen allele CA6436502.